The following is an entry in ClinVar:

NM_016441.3(CRIM1):c.1077C>T (p.Cys359=)

Gene: CRIM1 (cysteine rich transmembrane BMP regulator 1). Cytogenetic location: 2p22.2.
Variant type: single nucleotide variant.
Coding change: c.1077C>T on transcript NM_016441.3 (MANE Select); coding-DNA position 1077, C replaced by T.
Protein change: p.Cys359=; no amino-acid change (cysteine 359 retained).
Molecular consequence: synonymous variant.
Genome position (GRCh38, 1-based): chr2:36,476,974, C>T. VCF-style: chr2-36476974-C-T. GRCh37 (hg19) VCF-style: chr2-36704117-C-T.
Identifiers: ClinVar variation 790641 (VCV000790641.7), dbSNP rs145972275, ClinGen allele CA1610077.

ClinVar aggregate classification (germline): Benign. Review status: criteria provided, multiple submitters, no conflicts (2 of 4 stars). 3 submissions from 3 submitters: Benign (2). 1 of the submissions does not count toward it. Last evaluated 2019-12-31.

Conditions:
CRIM1-related disorder. Also called: CRIM1-related condition.

Allele frequency attached by ClinVar (database versions not stated): gnomAD 0.00154 and 0.00204; TOPMed 0.00186; ESP Exome Variant Server 0.00215; gnomAD exomes 0.00248; ExAC 0.00423; 1000 Genomes Project 30x 0.00468; 1000 Genomes Project 0.00539.
gnomAD v4.1: 4,017 of 1,613,824 alleles (0.25%); highest among the groups gnomAD compares: South Asian, 1.6%; 38 homozygotes.

Submissions (3):

Labcorp Genetics (formerly Invitae), Labcorp
Classification: Benign. Last evaluated: 2019-12-31. Review status: criteria provided, single submitter. Criteria: Invitae Variant Classification Sherloc (09022015). Collection method: clinical testing. Allele origin: germline.

Breakthrough Genomics
Classification: Benign. Review status: criteria provided, single submitter. Criteria: ACMG Guidelines, 2015. Collection method: not provided. Allele origin: germline. Inheritance: Unknown mechanism. Affected: yes.

PreventionGenetics, part of Exact Sciences
Classification: Benign for CRIM1-related condition. Last evaluated: 2024-01-17. Review status: no assertion criteria provided. Collection method: clinical testing. Allele origin: germline. Not counted in ClinVar's aggregate classification.
Comment: This variant is classified as benign based on ACMG/AMP sequence variant interpretation guidelines (Richards et al. 2015 PMID: 25741868, with internal and published modifications).